The following is an entry in ClinVar:

NM_001005273.3(CHD3):c.5798C>T (p.Ala1933Val)

Gene: CHD3 (chromodomain helicase DNA binding protein 3; plus strand). Cytogenetic location: 17p13.1.
Variant type: single nucleotide variant.
Coding change: c.5798C>T on transcript NM_001005273.3 (MANE Select); coding-DNA position 5798, C replaced by T.
Protein change: p.Ala1933Val; replaces alanine 1933 with valine.
Molecular consequence: missense variant.
Genome position (GRCh38, 1-based): chr17:7,910,890, C>T. VCF-style: chr17-7910890-C-T. GRCh37 (hg19) VCF-style: chr17-7814208-C-T.
Other names: c.5975C>T, p.Ala1992Val (NM_001005271.3); c.5696C>T, p.Ala1899Val (NM_005852.4); c.5975C>T (NM_001005271.2); short protein forms A1899V, A1933V, A1992V.
Identifiers: ClinVar variation 1175902 (VCV001175902.40), dbSNP rs140448992, ClinGen allele CA8363778.

ClinVar aggregate classification (germline): Conflicting classifications of pathogenicity. Review status: criteria provided, conflicting classifications (1 of 4 stars). 4 submissions from 4 submitters: Uncertain significance (2); Likely benign (1). 1 of the submissions does not count toward it. Last evaluated 2024-06-07.

Conditions:
CHD3-related disorder. Also called: CHD3-related condition.
Snijders Blok-Campeau syndrome. Also called: INTELLECTUAL DEVELOPMENTAL DISORDER WITH MACROCEPHALY, SPEECH DELAY, AND DYSMORPHIC FACIES. Identifiers: Orphanet 599082, MedGen C4748701, MONDO:0032600, OMIM 618205.
Inborn genetic diseases. Identifiers: MedGen C0950123, MeSH D030342.

Allele frequency attached by ClinVar (database versions not stated): gnomAD exomes 0.00003 and 0.00009; gnomAD 0.00007 and 0.00008; ExAC 0.00009; TOPMed 0.00009; ESP Exome Variant Server 0.00015; 1000 Genomes Project 30x 0.00016; 1000 Genomes Project 0.00020.
gnomAD v4.1: 56 of 1,612,946 alleles (0.0035%); highest among the groups gnomAD compares: East Asian, 0.027%; no homozygotes.

Submissions (4):

Ambry Genetics
Classification: Likely benign for Inborn genetic diseases. Last evaluated: 2024-06-07. Review status: criteria provided, single submitter. Criteria: Ambry Variant Classification Scheme 2023. Collection method: clinical testing. Allele origin: germline.

CeGaT Center for Human Genetics Tuebingen
Classification: Uncertain significance. Last evaluated: 2021-04-01. Review status: criteria provided, single submitter. Criteria: CeGaT Center For Human Genetics Tuebingen Variant Classification Criteria Version 2. Collection method: clinical testing. Allele origin: germline. Affected: yes. Observed: 1 variant allele.

Revvity Omics, Revvity
Classification: Uncertain significance for Snijders Blok-Campeau syndrome. Last evaluated: 2020-08-10. Review status: criteria provided, single submitter. Criteria: ACMG Guidelines, 2015. Collection method: clinical testing. Allele origin: germline.

PreventionGenetics, part of Exact Sciences
Classification: Likely benign for CHD3-related condition. Last evaluated: 2022-04-01. Review status: no assertion criteria provided. Collection method: clinical testing. Allele origin: germline. Not counted in ClinVar's aggregate classification.
Comment: This variant is classified as likely benign based on ACMG/AMP sequence variant interpretation guidelines (Richards et al. 2015 PMID: 25741868, with internal and published modifications).